The following is an entry in ClinVar:

NM_006231.4(POLE):c.1596C>G (p.His532Gln)

Gene: POLE (DNA polymerase epsilon, catalytic subunit; minus strand). Cytogenetic location: 12q24.33.
Variant type: single nucleotide variant.
Coding change: c.1596C>G on transcript NM_006231.4 (MANE Select); coding-DNA position 1596, C replaced by G.
Protein change: p.His532Gln; replaces histidine 532 with glutamine.
Molecular consequence: missense variant.
Genome position (GRCh38, 1-based): chr12:132,672,717, G>C on the plus strand (C>G on the coding strand, the complement: POLE is on the minus strand). VCF-style: chr12-132672717-G-C. GRCh37 (hg19) VCF-style: chr12-133249303-G-C.
Other names: short protein forms H532Q.
Identifiers: ClinVar variation 1047095 (VCV001047095.9), dbSNP rs114978673, ClinGen allele CA387356863.

ClinVar aggregate classification (germline): Uncertain significance (1 of 4 stars; one submission).

Submission:

Labcorp Genetics (formerly Invitae), Labcorp
Classification: Uncertain significance. Last evaluated: 2023-09-22. Review status: criteria provided, single submitter. Criteria: Invitae Variant Classification Sherloc (09022015). Collection method: clinical testing. Allele origin: germline.
Comment: In summary, the available evidence is currently insufficient to determine the role of this variant in disease. Therefore, it has been classified as a Variant of Uncertain Significance. Algorithms developed to predict the effect of sequence changes on RNA splicing suggest that this variant may create or strengthen a splice site. Advanced modeling of protein sequence and biophysical properties (such as structural, functional, and spatial information, amino acid conservation, physicochemical variation, residue mobility, and thermodynamic stability) has been performed at Invitae for this missense variant, however the output from this modeling did not meet the statistical confidence thresholds required to predict the impact of this variant on POLE protein function. ClinVar contains an entry for this variant (Variation ID: 1047095). This variant has not been reported in the literature in individuals affected with POLE-related conditions. This variant is not present in population databases (gnomAD no frequency). This sequence change replaces histidine, which is basic and polar, with glutamine, which is neutral and polar, at codon 532 of the POLE protein (p.His532Gln).